The following is an entry in ClinVar:

ClinVar aggregate classification (germline): Uncertain significance (1 of 4 stars; one submission).

Conditions:
Hereditary intrinsic factor deficiency (IFD). Also called: Congenital intrinsic factor deficiency; PERNICIOUS ANEMIA, CONGENITAL, DUE TO DEFECT OF INTRINSIC FACTOR. Identifiers: Orphanet 332, MedGen C2062370, MONDO:0009852, OMIM 261000.

Allele frequency attached by ClinVar (database versions not stated): ExAC 0.00001; gnomAD exomes 0.00001.
gnomAD v4.1: 6 of 1,613,940 alleles (0.00037%); highest among the groups gnomAD compares: Non-Finnish European, 0.00051%; no homozygotes.

Submission:

Labcorp Genetics (formerly Invitae), Labcorp
Classification: Uncertain significance for Hereditary intrinsic factor deficiency. Last evaluated: 2021-11-10. Review status: criteria provided, single submitter. Criteria: Invitae Variant Classification Sherloc (09022015). Collection method: clinical testing. Allele origin: germline.
Comment: In summary, the available evidence is currently insufficient to determine the role of this variant in disease. Therefore, it has been classified as a Variant of Uncertain Significance. Algorithms developed to predict the effect of missense changes on protein structure and function output the following: SIFT: "Deleterious"; PolyPhen-2: "Benign"; Align-GVGD: "Class C25". The isoleucine amino acid residue is found in multiple mammalian species, which suggests that this missense change does not adversely affect protein function. This sequence change replaces valine, which is neutral and non-polar, with isoleucine, which is neutral and non-polar, at codon 36 of the GIF protein (p.Val36Ile). This variant is present in population databases (rs751628349, gnomAD 0.006%). This variant has not been reported in the literature in individuals affected with GIF-related conditions.

NM_005142.3(CBLIF):c.106G>A (p.Val36Ile)

Gene: CBLIF (cobalamin binding intrinsic factor; minus strand). Cytogenetic location: 11q12.1.
Variant type: single nucleotide variant.
Coding change: c.106G>A on transcript NM_005142.3 (MANE Select); coding-DNA position 106, G replaced by A.
Protein change: p.Val36Ile; replaces valine 36 with isoleucine.
Molecular consequence: missense variant.
Genome position (GRCh38, 1-based): chr11:59,844,029, C>T on the plus strand (G>A on the coding strand, the complement: CBLIF is on the minus strand). VCF-style: chr11-59844029-C-T. GRCh37 (hg19) VCF-style: chr11-59611502-C-T.
Other names: short protein forms V36I.
Identifiers: ClinVar variation 1962889 (VCV001962889.3), dbSNP rs751628349, ClinGen allele CA6021668.